The following is an entry in ClinVar:

ClinVar aggregate classification (germline): Likely benign (1 of 4 stars; one submission).

gnomAD v4.1: 138 of 1,606,828 alleles (0.0086%); highest among the groups gnomAD compares: Non-Finnish European, 0.011%; no homozygotes.

Submission:

CeGaT Center for Human Genetics Tuebingen
Classification: Likely benign. Last evaluated: 2025-10-01. Review status: criteria provided, single submitter. Criteria: CeGaT Center For Human Genetics Tuebingen Variant Classification Criteria Version 2. Collection method: clinical testing. Allele origin: germline. Affected: yes. Observed: 1 variant allele.
Comment: TAF4: BP4, BP7

NM_003185.4(TAF4):c.1776C>T (p.Asn592=)

Gene: TAF4 (TATA-box binding protein associated factor 4; minus strand). Cytogenetic location: 20q13.33.
Variant type: single nucleotide variant.
Coding change: c.1776C>T on transcript NM_003185.4 (MANE Select); coding-DNA position 1776, C replaced by T.
Protein change: p.Asn592=; no amino-acid change (asparagine 592 retained).
Molecular consequence: synonymous variant.
Genome position (GRCh38, 1-based): chr20:62,009,160, G>A on the plus strand (C>T on the coding strand, the complement: TAF4 is on the minus strand). VCF-style: chr20-62009160-G-A. GRCh37 (hg19) VCF-style: chr20-60584216-G-A.
Identifiers: ClinVar variation 4534268 (VCV004534268.6).
Genomic context (GRCh38, chr20:62,009,160, plus strand): 5'-CTGCTTGCCAGATGAAGCCAGTTTTATTAACGTAGATAGGAAATTTTTACATTTCTTCAC[G>A]TTTTCCATAGTTTCCTGGATTAAAGTAAAAAGATATAAGTGAAAAATCTTAAAAGGCAGA-3'
Protein context (NP_003176.2, residues 582-602): TSSAATETME[Asn592=]VKKCKNFLST